The following is an entry in ClinVar:

NM_003482.4(KMT2D):c.5782+15A>C

Gene: KMT2D (lysine methyltransferase 2D; minus strand). Cytogenetic location: 12q13.12.
Variant type: single nucleotide variant.
Coding change: c.5782+15A>C on transcript NM_003482.4 (MANE Select); 15 bases into the intron after coding-DNA position 5782, A replaced by C.
Molecular consequence: intron variant.
Genome position (GRCh38, 1-based): chr12:49,042,726, T>G on the plus strand (A>C on the coding strand, the complement: KMT2D is on the minus strand). VCF-style: chr12-49042726-T-G. GRCh37 (hg19) VCF-style: chr12-49436509-T-G.
Identifiers: ClinVar variation 3623175 (VCV003623175.2).

ClinVar aggregate classification (germline): Uncertain significance (1 of 4 stars; one submission).

Conditions:
Kabuki syndrome. Also called: NIIKAWA-KUROKI SYNDROME; Kabuki make-up syndrome. Identifiers: Orphanet 2322, MedGen C0796004, MONDO:0016512.

gnomAD v4.1: 2 of 1,611,724 alleles (0.00012%); highest among the groups gnomAD compares: Non-Finnish European, 0.00017%; no homozygotes.

Submission:

Labcorp Genetics (formerly Invitae), Labcorp
Classification: Uncertain significance for Kabuki syndrome. Last evaluated: 2025-04-27. Review status: criteria provided, single submitter. Criteria: Invitae Variant Classification Sherloc (09022015). Collection method: clinical testing. Allele origin: germline.
Comment: This sequence change falls in intron 26 of the KMT2D gene. It does not directly change the encoded amino acid sequence of the KMT2D protein. This variant is present in population databases (rs750077669, gnomAD 0.002%). This variant has not been reported in the literature in individuals affected with KMT2D-related conditions. ClinVar contains an entry for this variant (Variation ID: 3623175). Algorithms developed to predict the effect of sequence changes on RNA splicing suggest that this variant may create or strengthen a splice site. In summary, the available evidence is currently insufficient to determine the role of this variant in disease. Therefore, it has been classified as a Variant of Uncertain Significance.